The following is an entry in ClinVar:

ClinVar aggregate classification (germline): Uncertain significance. Review status: criteria provided, multiple submitters, no conflicts (2 of 4 stars). 2 submissions from 2 submitters: Uncertain significance (2). Last evaluated 2022-05-04.

Conditions:
Myoclonic dystonia 11 (DYT11). Also called: Myoclonic dystonia; Dystonia 11; Dystonia, alcohol responsive; Hereditary essential myoclonus; SGCE Myoclonus-Dystonia; Myoclonus-Dystonia. Identifiers: Orphanet 36899, MedGen C1834570, MONDO:0008044, OMIM 159900.

Allele frequency attached by ClinVar (database versions not stated): gnomAD exomes 0.00001.
gnomAD v4.1: 11 of 1,613,116 alleles (0.00068%); highest among the groups gnomAD compares: Non-Finnish European, 0.00093%; no homozygotes.

Submissions (2):

GeneDx
Classification: Uncertain significance. Last evaluated: 2022-05-04. Review status: criteria provided, single submitter. Criteria: GeneDx Variant Classification Process June 2021. Collection method: clinical testing. Allele origin: germline. Affected: yes.
Comment: Not observed at significant frequency in large population cohorts (gnomAD); In silico analysis supports that this missense variant does not alter protein structure/function; Has not been previously published as pathogenic or benign to our knowledge

Revvity Omics, Revvity
Classification: Uncertain significance for Myoclonic dystonia 11. Last evaluated: 2019-08-21. Review status: criteria provided, single submitter. Criteria: ACMG Guidelines, 2015. Collection method: clinical testing. Allele origin: germline.

NM_003919.3(SGCE):c.878G>C (p.Gly293Ala)

Genes: CASD1 (CAS1 domain sialic acid O acetyltransferase 1; plus strand), SGCE (sarcoglycan epsilon; minus strand). Cytogenetic location: 7q21.3.
Variant type: single nucleotide variant.
Coding change: c.878G>C on transcript NM_003919.3 (MANE Select); coding-DNA position 878, G replaced by C.
Protein change: p.Gly293Ala; replaces glycine 293 with alanine.
Molecular consequence: missense variant.
Genome position (GRCh38, 1-based): chr7:94,600,805, C>G on the plus strand (G>C on the coding strand, the complement: SGCE is on the minus strand). VCF-style: chr7-94600805-C-G. GRCh37 (hg19) VCF-style: chr7-94230117-C-G.
Other names: c.878G>C, p.Gly293Ala (NM_001099400.2, NM_001099401.2, NM_001346717.2); c.755G>C, p.Gly252Ala (NM_001301139.2, NM_001362809.2); c.986G>C, p.Gly329Ala (NM_001346713.2, NM_001346715.2); c.791G>C, p.Gly264Ala (NM_001346719.2, NM_001362807.2); c.605G>C, p.Gly202Ala (NM_001346720.2, NM_001362808.2); short protein forms G202A, G252A, G264A, G293A, G329A.
Identifiers: ClinVar variation 1722976 (VCV001722976.4), dbSNP rs2484945130, ClinGen allele CA368231184.